The following is an entry in ClinVar:

ClinVar aggregate classification (germline): Uncertain significance (1 of 4 stars; one submission).

Conditions:
Multiple endocrine neoplasia, type 2 (MEN2). Identifiers: Orphanet 653, MedGen C4048306, MONDO:0019003. Disease mechanism: gain of function.

Allele frequency attached by ClinVar (database versions not stated): gnomAD exomes below 0.00001.
gnomAD v4.1: 4 of 1,614,096 alleles (0.00025%); highest among the groups gnomAD compares: Non-Finnish European, 0.00034%; no homozygotes.

Submission:

Labcorp Genetics (formerly Invitae), Labcorp
Classification: Uncertain significance for Multiple endocrine neoplasia, type 2. Last evaluated: 2021-01-08. Review status: criteria provided, single submitter. Criteria: Invitae Variant Classification Sherloc (09022015). Collection method: clinical testing. Allele origin: germline.
Comment: In summary, the available evidence is currently insufficient to determine the role of this variant in disease. Therefore, it has been classified as a Variant of Uncertain Significance. Algorithms developed to predict the effect of missense changes on protein structure and function are either unavailable or do not agree on the potential impact of this missense change (SIFT: "Tolerated"; PolyPhen-2: "Possibly Damaging"; Align-GVGD: "Class C0"). This variant has been observed in an individual affected with medullary thyroid carcinoma (PMID: 20013610). ClinVar contains an entry for this variant (Variation ID: 24936). This variant is not present in population databases (ExAC no frequency). This sequence change replaces arginine with glutamine at codon 770 of the RET protein (p.Arg770Gln). The arginine residue is highly conserved and there is a small physicochemical difference between arginine and glutamine.

Literature cited by the submitters: PubMed 20013610.

NM_020975.6(RET):c.2309G>A (p.Arg770Gln)

Gene: RET (ret proto-oncogene; plus strand). Cytogenetic location: 10q11.21.
Variant type: single nucleotide variant.
Coding change: c.2309G>A on transcript NM_020975.6 (MANE Select); coding-DNA position 2309, G replaced by A.
Protein change: p.Arg770Gln; replaces arginine 770 with glutamine.
Molecular consequence: missense variant.
Genome position (GRCh38, 1-based): chr10:43,118,397, G>A. VCF-style: chr10-43118397-G-A. GRCh37 (hg19) VCF-style: chr10-43613845-G-A.
Other names: c.2309G>A, p.Arg770Gln (NM_000323.2, NM_001406743.1, NM_001406744.1 and 4 more transcripts); c.1547G>A, p.Arg516Gln (NM_001355216.2); c.2180G>A, p.Arg727Gln (NM_001406761.1, NM_001406762.1, NM_001406764.1); c.2174G>A, p.Arg725Gln (NM_001406763.1, NM_001406765.1); c.2021G>A, p.Arg674Gln (NM_001406766.1, NM_001406767.1, NM_001406770.1); c.2045G>A, p.Arg682Gln (NM_001406768.1); c.1913G>A, p.Arg638Gln (NM_001406769.1, NM_001406772.1); c.1871G>A, p.Arg624Gln (NM_001406771.1, NM_001406773.1); and 10 more; short protein forms R516Q, R287Q, R335Q, R528Q, R595Q, R638Q, R375Q, R426Q.
Identifiers: ClinVar variation 24936 (VCV000024936.10), dbSNP rs377767414, ClinGen allele CA008664.